The following is an entry in ClinVar:

NM_173689.7(CRB2):c.1006C>T (p.Gln336Ter)

Gene: CRB2 (crumbs cell polarity complex component 2; plus strand). Cytogenetic location: 9q33.3.
Variant type: single nucleotide variant.
Coding change: c.1006C>T on transcript NM_173689.7 (MANE Select); coding-DNA position 1006, C replaced by T.
Protein change: p.Gln336Ter; replaces glutamine 336 with a stop codon.
Molecular consequence: nonsense.
Genome position (GRCh38, 1-based): chr9:123,367,638, C>T. VCF-style: chr9-123367638-C-T. GRCh37 (hg19) VCF-style: chr9-126129917-C-T.
Other names: short protein forms Q336*.
Identifiers: ClinVar variation 3902743 (VCV003902743.1).

ClinVar aggregate classification (germline): Pathogenic (1 of 4 stars; one submission).

Conditions:
Focal segmental glomerulosclerosis 9 (FSGS9). Identifiers: Orphanet 656, MedGen C4015555, MONDO:0014539, OMIM 616220.

Submission:

Women's Health and Genetics/Laboratory Corporation of America, LabCorp
Classification: Pathogenic for Focal segmental glomerulosclerosis 9. Last evaluated: 2025-05-22. Review status: criteria provided, single submitter. Criteria: LabCorp Variant Classification Summary - May 2015. Collection method: clinical testing. Allele origin: germline.
Comment: Variant summary: CRB2 c.1006C>T (p.Gln336X) results in a premature termination codon, predicted to cause a truncation of the encoded protein or absence of the protein due to nonsense mediated decay, which are commonly known mechanisms for disease. The variant was absent in 184888 control chromosomes. To our knowledge, no occurrence of c.1006C>T in individuals affected with Focal Segmental Glomerulosclerosis 9 and no experimental evidence demonstrating its impact on protein function have been reported. No submitters have cited clinical-significance assessments for this variant to ClinVar. Based on the evidence outlined above, the variant was classified as pathogenic.